The following is an entry in ClinVar:

NM_001134673.4(NFIA):c.220C>T (p.Arg74Ter)

Gene: NFIA (nuclear factor I A; plus strand). Cytogenetic location: 1p31.3.
Variant type: single nucleotide variant.
Coding change: c.220C>T on transcript NM_001134673.4 (MANE Select); coding-DNA position 220, C replaced by T.
Protein change: p.Arg74Ter; replaces arginine 74 with a stop codon.
Molecular consequence: nonsense.
Genome position (GRCh38, 1-based): chr1:61,088,341, C>T. VCF-style: chr1-61088341-C-T. GRCh37 (hg19) VCF-style: chr1-61554013-C-T.
Other names: c.196C>T, p.Arg66Ter (NM_001145511.2); c.355C>T, p.Arg119Ter (NM_001145512.2); c.220C>T, p.Arg74Ter (NM_005595.5); short protein forms R66*, R74*, R119*.
Identifiers: ClinVar variation 523874 (VCV000523874.6), dbSNP rs1553149182, ClinGen allele CA340586562.

ClinVar aggregate classification (germline): Pathogenic. Review status: criteria provided, multiple submitters, no conflicts (2 of 4 stars). 2 submissions from 2 submitters: Pathogenic (2). Last evaluated 2022-01-24.

Conditions:
Brain malformations with or without urinary tract defects. Also called: Brain malformations and urinary tract defects. Identifiers: MedGen C4478940, MONDO:0100478, OMIM 613735.
NFIA-Related Disorder. Also called: NFIA-related condition; NFIA-related disorders. Identifiers: MedGen CN381099.

Submissions (2):

GeneDx
Classification: Pathogenic. Last evaluated: 2022-01-24. Review status: criteria provided, single submitter. Criteria: GeneDx Variant Classification Process June 2021. Collection method: clinical testing. Allele origin: germline. Affected: yes.
Comment: Nonsense variant predicted to result in protein truncation or nonsense mediated decay in a gene for which loss-of-function is a known mechanism of disease; Not observed at significant frequency in large population cohorts (gnomAD); This variant is associated with the following publications: (PMID: 32926563, 33973697)

Institute of Human Genetics, University Hospital of Duesseldorf
Classification: Pathogenic for Brain malformations with or without urinary tract defects. Review status: criteria provided, single submitter. Criteria: ACMG Guidelines, 2015. Collection method: not provided. Allele origin: germline. Inheritance: Autosomal dominant inheritance. Affected: yes.